The following is an entry in ClinVar:

NM_001040436.3(YARS2):c.779+150C>T

Gene: YARS2 (tyrosyl-tRNA synthetase 2; minus strand). Cytogenetic location: 12p11.21.
Variant type: single nucleotide variant.
Coding change: c.779+150C>T on transcript NM_001040436.3 (MANE Select); 150 bases into the intron after coding-DNA position 779, C replaced by T.
Molecular consequence: intron variant.
Genome position (GRCh38, 1-based): chr12:32,754,946, G>A on the plus strand (C>T on the coding strand, the complement: YARS2 is on the minus strand). VCF-style: chr12-32754946-G-A. GRCh37 (hg19) VCF-style: chr12-32907880-G-A.
Identifiers: ClinVar variation 675589 (VCV000675589.1), dbSNP rs76893371, ClinGen allele CA235220337.
Genomic context (GRCh38, chr12:32,754,946, plus strand): 5'-TAGAATACACCGTTTACTCTTAATACCCTTAATTCAGCCCTTTAATTCTTATTAGCCAGT[G>A]TTATTAACGCCATTATAGAGCCTTAATGGGGATAAAACCAACAAGAGCTGGAACGAAGGG-3'

ClinVar aggregate classification (germline): Likely benign (1 of 4 stars; one submission).

Allele frequency attached by ClinVar (database versions not stated): gnomAD exomes 0.00135; gnomAD 0.01225 and 0.01312; 1000 Genomes Project 0.01318; 1000 Genomes Project 30x 0.01343; TOPMed 0.01350.
gnomAD v4.1: 3,012 of 969,974 alleles (0.31%); highest among the groups gnomAD compares: African/African-American, 4.3%; 60 homozygotes.

Submission:

GeneDx
Classification: Likely benign. Last evaluated: 2018-06-14. Review status: criteria provided, single submitter. Criteria: GeneDx Variant Classification (06012015). Collection method: clinical testing. Allele origin: germline. Affected: yes.
Comment: This variant is considered likely benign or benign based on one or more of the following criteria: it is a conservative change, it occurs at a poorly conserved position in the protein, it is predicted to be benign by multiple in silico algorithms, and/or has population frequency not consistent with disease.